The following is an entry in ClinVar:

ClinVar aggregate classification (germline): Conflicting classifications of pathogenicity. Review status: criteria provided, conflicting classifications (1 of 4 stars). 4 submissions from 4 submitters: Uncertain significance (2); Likely benign (1). 1 of the submissions does not count toward it. Last evaluated 2026-01-20.

Conditions:
Cardiovascular phenotype. Identifiers: MedGen CN230736.
Alstrom syndrome (ALMS). Identifiers: Orphanet 64, MedGen C0268425, MONDO:0008763, OMIM 203800.

Allele frequency attached by ClinVar (database versions not stated): gnomAD exomes below 0.00001; ExAC 0.00001; gnomAD 0.00002 and 0.00004; TOPMed 0.00003; ESP Exome Variant Server 0.00008.
gnomAD v4.1: 7 of 1,613,904 alleles (0.00043%); highest among the groups gnomAD compares: African/African-American, 0.0093%; no homozygotes.

Submissions (4):

Ambry Genetics
Classification: Likely benign for Cardiovascular phenotype. Last evaluated: 2026-01-20. Review status: criteria provided, single submitter. Criteria: Ambry Variant Classification Scheme 2023. Collection method: clinical testing. Allele origin: germline.

Women's Health and Genetics/Laboratory Corporation of America, LabCorp
Classification: Uncertain significance. Last evaluated: 2024-02-04. Review status: criteria provided, single submitter. Criteria: LabCorp Variant Classification Summary - May 2015. Collection method: clinical testing. Allele origin: germline.

Labcorp Genetics (formerly Invitae), Labcorp
Classification: Uncertain significance for Alstrom syndrome. Last evaluated: 2022-03-22. Review status: criteria provided, single submitter. Criteria: Invitae Variant Classification Sherloc (09022015). Collection method: clinical testing. Allele origin: germline.
Comment: This sequence change replaces serine with alanine at codon 813 of the ALMS1 protein (p.Ser813Ala). The serine residue is weakly conserved and there is a moderate physicochemical difference between serine and alanine. This variant is present in population databases (rs376991574, gnomAD 0.007%). This variant has not been reported in the literature in individuals affected with ALMS1-related conditions. ClinVar contains an entry for this variant (Variation ID: 550068). Experimental studies and prediction algorithms are not available or were not evaluated, and the functional significance of this variant is currently unknown. In summary, the available evidence is currently insufficient to determine the role of this variant in disease. Therefore, it has been classified as a Variant of Uncertain Significance.

Counsyl
Classification: Uncertain significance for Alstrom syndrome. Last evaluated: 2017-01-06. Review status: no assertion criteria provided. Collection method: clinical testing. Allele origin: unknown. Not counted in ClinVar's aggregate classification.

NM_001378454.1(ALMS1):c.2434T>G (p.Ser812Ala)

Gene: ALMS1 (ALMS1 centrosome and basal body associated protein; plus strand). Cytogenetic location: 2p13.1.
Variant type: single nucleotide variant.
Coding change: c.2434T>G on transcript NM_001378454.1 (MANE Select); coding-DNA position 2434, T replaced by G.
Protein change: p.Ser812Ala; replaces serine 812 with alanine.
Molecular consequence: missense variant.
Genome position (GRCh38, 1-based): chr2:73,448,961, T>G. VCF-style: chr2-73448961-T-G. GRCh37 (hg19) VCF-style: chr2-73676088-T-G.
Other names: c.2437T>G, p.Ser813Ala (NM_015120.4); short protein forms S813A, S812A.
Identifiers: ClinVar variation 550068 (VCV000550068.5), dbSNP rs376991574, ClinGen allele CA1713341.